The following is an entry in ClinVar:

ClinVar aggregate classification (germline): Uncertain significance (1 of 4 stars; one submission).

Conditions:
Hyperaldosteronism, familial, type IV (HALD4). Also called: FH IV; ALDOSTERONISM, PRIMARY, AND HYPERTENSION. Identifiers: Orphanet 642671, MedGen C4310756, MONDO:0014875, OMIM 617027.
Idiopathic generalized epilepsy. Also called: Generalised epilepsy; EIG. Identifiers: MedGen C0270850, MONDO:0005579, OMIM 600669.

Allele frequency attached by ClinVar (database versions not stated): gnomAD 0.00001.

Submission:

Labcorp Genetics (formerly Invitae), Labcorp
Classification: Uncertain significance for Idiopathic generalized epilepsy; Hyperaldosteronism, familial, type IV. Last evaluated: 2023-11-28. Review status: criteria provided, single submitter. Criteria: Invitae Variant Classification Sherloc (09022015). Collection method: clinical testing. Allele origin: germline.
Comment: This sequence change replaces leucine, which is neutral and non-polar, with proline, which is neutral and non-polar, at codon 2144 of the CACNA1H protein (p.Leu2144Pro). This variant is not present in population databases (gnomAD no frequency). This variant has not been reported in the literature in individuals affected with CACNA1H-related conditions. ClinVar contains an entry for this variant (Variation ID: 1517371). Advanced modeling of protein sequence and biophysical properties (such as structural, functional, and spatial information, amino acid conservation, physicochemical variation, residue mobility, and thermodynamic stability) performed at Invitae indicates that this missense variant is not expected to disrupt CACNA1H protein function with a negative predictive value of 80%. In summary, the available evidence is currently insufficient to determine the role of this variant in disease. Therefore, it has been classified as a Variant of Uncertain Significance.

NM_021098.3(CACNA1H):c.6431T>C (p.Leu2144Pro)

Gene: CACNA1H (calcium voltage-gated channel subunit alpha1 H; plus strand). Cytogenetic location: 16p13.3.
Variant type: single nucleotide variant.
Coding change: c.6431T>C on transcript NM_021098.3 (MANE Select); coding-DNA position 6431, T replaced by C.
Protein change: p.Leu2144Pro; replaces leucine 2144 with proline.
Molecular consequence: missense variant.
Genome position (GRCh38, 1-based): chr16:1,220,363, T>C. VCF-style: chr16-1220363-T-C. GRCh37 (hg19) VCF-style: chr16-1270363-T-C.
Other names: c.6413T>C, p.Leu2138Pro (NM_001005407.2); short protein forms L2138P, L2144P.
Identifiers: ClinVar variation 1517371 (VCV001517371.6), dbSNP rs1970385250, ClinGen allele CA394149718.